The following is an entry in ClinVar:

NM_001379210.1(SLC25A26):c.33G>A (p.Val11=)

Gene: SLC25A26 (solute carrier family 25 member 26; plus strand). Cytogenetic location: 3p14.1.
Variant type: single nucleotide variant.
Coding change: c.33G>A on transcript NM_001379210.1 (MANE Select); coding-DNA position 33, G replaced by A.
Protein change: p.Val11=; no amino-acid change (valine 11 retained).
Molecular consequence: synonymous variant. On other transcripts: 5 prime UTR variant (2), non-coding transcript variant (1).
Genome position (GRCh38, 1-based): chr3:66,221,127, G>A. VCF-style: chr3-66221127-G-A. GRCh37 (hg19) VCF-style: chr3-66271553-G-A.
Other names: NC_000003.11:g.66271553G>A; c.-75G>A (NM_001164796.1); c.-319G>A (NM_001350993.1); c.33G>A, p.Val11= (NM_173471.4).
Identifiers: ClinVar variation 1316806 (VCV001316806.6), dbSNP rs189816697, ClinGen allele CA2483587.
Genomic context (GRCh38, chr3:66,221,127, plus strand): 5'-TTGTAGCCTTGACGAGGTCTGAGCGACCATGGACCGGCCGGGGTTCGTGGCAGCGCTGGT[G>A]GTGAGTGCGGGGCGGTGGGGTGGGTTGCTCAGAGTGCCGGCGTCCGGCATTGGAGCCCGC-3'
Protein context (NP_001366139.1, residues 1-21): MDRPGFVAAL[Val11=]AGGVAGVSVD

ClinVar aggregate classification (germline): Likely benign. Review status: criteria provided, multiple submitters, no conflicts (2 of 4 stars). 3 submissions from 3 submitters: Likely benign (3). Last evaluated 2026-04-01.

Allele frequency attached by ClinVar (database versions not stated): ExAC 0.00106; 1000 Genomes Project 0.00160; 1000 Genomes Project 30x 0.00172; TOPMed 0.00342.
gnomAD v4.1: 855 of 1,529,844 alleles (0.056%); highest among the groups gnomAD compares: African/African-American, 1.1%; 5 homozygotes.

Submissions (5):

CeGaT Center for Human Genetics Tuebingen
Classification: Likely benign. Last evaluated: 2026-04-01. Review status: criteria provided, single submitter. Criteria: CeGaT Center For Human Genetics Tuebingen Variant Classification Criteria Version 2. Collection method: clinical testing. Allele origin: germline. Affected: yes. Observed: 1 variant allele.
Comment: SLC25A26: BS1

Blueprint Genetics
Classification: Likely benign. Last evaluated: 2024-09-23. Review status: criteria provided, single submitter. Criteria: ACMG Guidelines, 2015. Collection method: clinical testing. Allele origin: germline.

GeneDx
Classification: Likely benign. Last evaluated: 2020-08-27. Review status: criteria provided, single submitter. Criteria: GeneDx Variant Classification Process June 2021. Collection method: clinical testing. Allele origin: germline. Affected: yes.

Dr. Peter K. Rogan Lab, Western University
No classification provided (evidence only). Condition: Uterine corpus endometrial carcinoma. Review status: no classification provided. Collection method: in vitro. Allele origin: not applicable. Functional consequence: retained intron. Not counted in ClinVar's aggregate classification.

Dr. Peter K. Rogan Lab, Western University
No classification provided (evidence only). Condition: Thymoma. Review status: no classification provided. Collection method: in vitro. Allele origin: not applicable. Functional consequence: retained intron. Not counted in ClinVar's aggregate classification.